The following is an entry in ClinVar:

NM_013261.5(PPARGC1A):c.348C>T (p.Asp116=)

Gene: PPARGC1A (PPARG coactivator 1 alpha; minus strand). Cytogenetic location: 4p15.2.
Variant type: single nucleotide variant.
Coding change: c.348C>T on transcript NM_013261.5 (MANE Select); coding-DNA position 348, C replaced by T.
Protein change: p.Asp116=; no amino-acid change (aspartic acid 116 retained).
Molecular consequence: synonymous variant. On other transcripts: 5 prime UTR variant (2), non-coding transcript variant (7).
Genome position (GRCh38, 1-based): chr4:23,831,638, G>A on the plus strand (C>T on the coding strand, the complement: PPARGC1A is on the minus strand). VCF-style: chr4-23831638-G-A. GRCh37 (hg19) VCF-style: chr4-23833261-G-A.
Other names: c.363C>T, p.Asp121= (NM_001330751.2, NM_001354825.2, NM_001354827.2); c.312C>T, p.Asp104= (NM_001330752.2); c.-34C>T (NM_001330753.2, NM_001354826.2).
Identifiers: ClinVar variation 4533902 (VCV004533902.6).

ClinVar aggregate classification (germline): Likely benign (1 of 4 stars; one submission).

gnomAD v4.1: 125 of 1,613,968 alleles (0.0077%); highest among the groups gnomAD compares: Admixed American, 0.015%; no homozygotes.

Submission:

CeGaT Center for Human Genetics Tuebingen
Classification: Likely benign. Last evaluated: 2025-11-01. Review status: criteria provided, single submitter. Criteria: CeGaT Center For Human Genetics Tuebingen Variant Classification Criteria Version 2. Collection method: clinical testing. Allele origin: germline. Affected: yes. Observed: 1 variant allele.
Comment: PPARGC1A: BP4, BP7